The following is an entry in ClinVar:

ClinVar aggregate classification (germline): Uncertain significance. Review status: criteria provided, multiple submitters, no conflicts (2 of 4 stars). 2 submissions from 2 submitters: Uncertain significance (2). Last evaluated 2024-11-04.

Conditions:
Hereditary cancer-predisposing syndrome. Also called: Neoplastic Syndromes, Hereditary; Hereditary Cancer Syndrome; Hereditary neoplastic syndrome; Tumor predisposition. Identifiers: Orphanet 140162, MedGen C0027672, MeSH D009386, MONDO:0015356.
Oligodontia-cancer predisposition syndrome. Also called: TOOTH AGENESIS-COLORECTAL CANCER SYNDROME. Identifiers: Orphanet 300576, MedGen C1837750, MONDO:0012075, OMIM 608615. Disease mechanism: loss of function.

Submissions (2):

Ambry Genetics
Classification: Uncertain significance for Hereditary cancer-predisposing syndrome. Last evaluated: 2024-11-04. Review status: criteria provided, single submitter. Criteria: Ambry Variant Classification Scheme 2023. Collection method: clinical testing. Allele origin: germline.
Comment: The p.E403D variant (also known as c.1209G>C), located in coding exon 5 of the AXIN2 gene, results from a G to C substitution at nucleotide position 1209. The glutamic acid at codon 403 is replaced by aspartic acid, an amino acid with highly similar properties. This amino acid position is highly conserved in available vertebrate species. In addition, the in silico prediction for this alteration is inconclusive. Based on the available evidence, the clinical significance of this variant remains unclear.

Labcorp Genetics (formerly Invitae), Labcorp
Classification: Uncertain significance for Oligodontia-cancer predisposition syndrome. Last evaluated: 2021-08-31. Review status: criteria provided, single submitter. Criteria: Invitae Variant Classification Sherloc (09022015). Collection method: clinical testing. Allele origin: germline.

NM_004655.4(AXIN2):c.1209G>C (p.Glu403Asp)

Gene: AXIN2 (axin 2; minus strand). Cytogenetic location: 17q24.1.
Variant type: single nucleotide variant.
Coding change: c.1209G>C on transcript NM_004655.4 (MANE Select); coding-DNA position 1209, G replaced by C.
Protein change: p.Glu403Asp; replaces glutamic acid 403 with aspartic acid.
Molecular consequence: missense variant.
Genome position (GRCh38, 1-based): chr17:65,537,827, C>G on the plus strand (G>C on the coding strand, the complement: AXIN2 is on the minus strand). VCF-style: chr17-65537827-C-G. GRCh37 (hg19) VCF-style: chr17-63533945-C-G.
Other names: c.1209G>C (NM_004655.3); c.1209G>C, p.Glu403Asp (NM_001363813.1); short protein forms E403D.
Identifiers: ClinVar variation 1438921 (VCV001438921.4), dbSNP rs774657791, ClinGen allele CA293098510.
Genomic context (GRCh38, chr17:65,537,827, plus strand): 5'-GAGGGGGTGCTGCGTGGGCGCCCCCTCCCGCGAATTGAGTGTGAGCTCGGAGCCCTCTCT[C>G]TCTTCATCCTGAAAGGGAAGACGTCAGAAGGAGAAGTGACCCAGGAAGCAGAAGGGCCAG-3'
Protein context (NP_004646.3, residues 393-413): ERLQQIREDE[Glu403Asp]REGSELTLNS